The following is an entry in ClinVar:

ClinVar aggregate classification (germline): Uncertain significance. Review status: criteria provided, multiple submitters, no conflicts (2 of 4 stars). 2 submissions from 2 submitters: Uncertain significance (2). Last evaluated 2025-12-08.

Conditions:
Methylcobalamin deficiency type cblE (HMAE). Also called: HOMOCYSTINURIA-MEGALOBLASTIC ANEMIA, cblE COMPLEMENTATION TYPE; VITAMIN B12-RESPONSIVE HOMOCYSTINURIA, cblE TYPE; HOMOCYSTINURIA-MEGALOBLASTIC ANEMIA, cblE TYPE. Identifiers: Orphanet 2169, Orphanet 622, MedGen C1856057, MONDO:0009354, OMIM 236270.
Inborn genetic diseases. Identifiers: MedGen C0950123, MeSH D030342.

Allele frequency attached by ClinVar (database versions not stated): gnomAD exomes 0.00002; gnomAD 0.00009 and 0.00011; TOPMed 0.00018.
gnomAD v4.1: 29 of 1,613,898 alleles (0.0018%); highest among the groups gnomAD compares: Admixed American, 0.037%; no homozygotes.

Submissions (2):

Ambry Genetics
Classification: Uncertain significance for Inborn genetic diseases. Last evaluated: 2025-12-08. Review status: criteria provided, single submitter. Criteria: Ambry Variant Classification Scheme 2023. Collection method: clinical testing. Allele origin: germline.

Labcorp Genetics (formerly Invitae), Labcorp
Classification: Uncertain significance for Methylcobalamin deficiency type cblE. Last evaluated: 2022-07-30. Review status: criteria provided, single submitter. Criteria: Invitae Variant Classification Sherloc (09022015). Collection method: clinical testing. Allele origin: germline.
Comment: This sequence change replaces lysine, which is basic and polar, with arginine, which is basic and polar, at codon 181 of the MTRR protein (p.Lys181Arg). This variant is present in population databases (no rsID available, gnomAD 0.01%). This variant has not been reported in the literature in individuals affected with MTRR-related conditions. ClinVar contains an entry for this variant (Variation ID: 1503990). Algorithms developed to predict the effect of missense changes on protein structure and function output the following: SIFT: "Tolerated"; PolyPhen-2: "Benign"; Align-GVGD: "Class C0". The arginine amino acid residue is found in multiple mammalian species, which suggests that this missense change does not adversely affect protein function. In summary, the available evidence is currently insufficient to determine the role of this variant in disease. Therefore, it has been classified as a Variant of Uncertain Significance.

NM_002454.3(MTRR):c.542A>G (p.Lys181Arg)

Gene: MTRR (5-methyltetrahydrofolate-homocysteine methyltransferase reductase; plus strand). Cytogenetic location: 5p15.31.
Variant type: single nucleotide variant.
Coding change: c.542A>G on transcript NM_002454.3 (MANE Select); coding-DNA position 542, A replaced by G.
Protein change: p.Lys181Arg; replaces lysine 181 with arginine.
Molecular consequence: missense variant. On other transcripts: non-coding transcript variant (14).
Genome position (GRCh38, 1-based): chr5:7,878,084, A>G. VCF-style: chr5-7878084-A-G. GRCh37 (hg19) VCF-style: chr5-7878197-A-G.
Other names: c.542A>G (NM_002454.2); c.542A>G, p.Lys181Arg (NM_001364440.2, NM_001364441.2, NM_001364442.2 and 1 more transcripts); short protein forms K181R.
Identifiers: ClinVar variation 1503990 (VCV001503990.7), dbSNP rs996966324, ClinGen allele CA113798640.
Genomic context (GRCh38, chr5:7,878,084, plus strand): 5'-AGGAGATAAGTGGCGCACTCCCGGTGGCATCACCTGCATCCTCGAGGACAGACCTTGTGA[A>G]GTCAGAGCTGCTACACATTGAATCTCAAGTCGAGCTTCTGAGATTCGATGATTCAGGAAG-3'
Protein context (NP_002445.2, residues 171-191): SPASSRTDLV[Lys181Arg]SELLHIESQV